The following is an entry in ClinVar:

NM_015910.7(WDPCP):c.1748+18357C>T

Gene: WDPCP (WD repeat containing planar cell polarity effector; minus strand). Cytogenetic location: 2p15.
Variant type: single nucleotide variant.
Coding change: c.1748+18357C>T on transcript NM_015910.7 (MANE Select); 18357 bases into the intron after coding-DNA position 1748, C replaced by T.
Molecular consequence: intron variant. On other transcripts: missense variant (1).
Genome position (GRCh38, 1-based): chr2:63,360,029, G>A on the plus strand (C>T on the coding strand, the complement: WDPCP is on the minus strand). VCF-style: chr2-63360029-G-A. GRCh37 (hg19) VCF-style: chr2-63587164-G-A.
Other names: c.1796C>T, p.Ala599Val (NM_001354045.2); c.1676+18357C>T (NM_001354044.2); c.1271+18357C>T (NM_001042692.3); short protein forms A599V.
Identifiers: ClinVar variation 2634094 (VCV002634094.2), dbSNP rs751822287, ClinGen allele CA49229131.

ClinVar aggregate classification (germline): Uncertain significance (1 of 4 stars; one submission).

Conditions:
WDPCP-related disorder. Also called: WDPCP-related condition.

Allele frequency attached by ClinVar (database versions not stated): gnomAD 0.00005; TOPMed 0.00006; 1000 Genomes Project 30x 0.00016.

Submission:

PreventionGenetics, part of Exact Sciences
Classification: Uncertain significance for WDPCP-related condition. Last evaluated: 2026-07-06. Review status: criteria provided, single submitter. Criteria: ACMG Guidelines, 2015. Collection method: clinical testing. Allele origin: germline.
Comment: The WDPCP c.1796C>T variant is predicted to result in the amino acid substitution p.Ala599Val. To our knowledge, this variant has not been reported in the literature or in gnomAD, indicating this variant is rare. At this time, the clinical significance of this variant is uncertain due to the absence of conclusive functional and genetic evidence.